The following is an entry in ClinVar:

NM_004991.4(MECOM):c.1562C>A (p.Thr521Lys)

Gene: MECOM (MDS1 and EVI1 complex locus; minus strand). Cytogenetic location: 3q26.2.
Variant type: single nucleotide variant.
Coding change: c.1562C>A on transcript NM_004991.4 (MANE Select); coding-DNA position 1562, C replaced by A.
Protein change: p.Thr521Lys; replaces threonine 521 with lysine.
Molecular consequence: missense variant. On other transcripts: intron variant (2).
Genome position (GRCh38, 1-based): chr3:169,116,310, G>T on the plus strand (C>A on the coding strand, the complement: MECOM is on the minus strand). VCF-style: chr3-169116310-G-T. GRCh37 (hg19) VCF-style: chr3-168834098-G-T.
Other names: p.Thr521Lys; c.1562C>A (NM_004991.3); c.1193C>A, p.Thr398Lys (NM_001105077.4); c.998C>A, p.Thr333Lys (NM_001105078.4, NM_001164000.2, NM_001205194.2 and 4 more transcripts); c.1001C>A, p.Thr334Lys (NM_001163999.2, NM_001366467.2, NM_001366468.2 and 1 more transcripts); c.1562C>A, p.Thr521Lys (NM_001366466.2); c.1133-543C>A (NM_001366473.2); c.569-543C>A (NM_001366474.2); short protein forms T521K, T333K, T398K, T334K.
Identifiers: ClinVar variation 2879396 (VCV002879396.5), dbSNP rs750695074, ClinGen allele CA2696322.

ClinVar aggregate classification (germline): Conflicting classifications of pathogenicity. Review status: criteria provided, conflicting classifications (1 of 4 stars). 3 submissions from 3 submitters: Uncertain significance (1); Likely benign (2). Last evaluated 2025-02-09.

Conditions:
Inborn genetic diseases. Identifiers: MedGen C0950123, MeSH D030342.

Allele frequency attached by ClinVar (database versions not stated): gnomAD 0.00001; TOPMed 0.00001; gnomAD exomes 0.00006; ExAC 0.00012.
gnomAD v4.1: 88 of 1,614,076 alleles (0.0055%); highest among the groups gnomAD compares: South Asian, 0.094%; no homozygotes.

Submissions (3):

Ambry Genetics
Classification: Uncertain significance for Inborn genetic diseases. Last evaluated: 2025-02-09. Review status: criteria provided, single submitter. Criteria: Ambry Variant Classification Scheme 2023. Collection method: clinical testing. Allele origin: germline.
Comment: The p.T521K variant (also known as c.1562C>A), located in coding exon 8 of the MECOM gene, results from a C to A substitution at nucleotide position 1562. The threonine at codon 521 is replaced by lysine, an amino acid with similar properties. This amino acid position is conserved. In addition, this alteration is predicted to be tolerated by in silico analysis. Based on the available evidence, the clinical significance of this variant remains unclear.

Mayo Clinic Laboratories, Mayo Clinic
Classification: Likely benign. Last evaluated: 2025-01-20. Review status: criteria provided, single submitter. Criteria: ACMG Guidelines, 2015. Collection method: clinical testing. Allele origin: germline. Observed: 1 variant allele.
Comment: BS1, BP4_moderate

Labcorp Genetics (formerly Invitae), Labcorp
Classification: Likely benign. Last evaluated: 2023-10-25. Review status: criteria provided, single submitter. Criteria: Invitae Variant Classification Sherloc (09022015). Collection method: clinical testing. Allele origin: germline.